The following is an entry in ClinVar:

ClinVar aggregate classification (germline): Uncertain significance (1 of 4 stars; one submission).

Conditions:
Inborn genetic diseases. Identifiers: MedGen C0950123, MeSH D030342.

Submission:

Ambry Genetics
Classification: Uncertain significance for Inborn genetic diseases. Last evaluated: 2025-12-20. Review status: criteria provided, single submitter. Criteria: Ambry Variant Classification Scheme 2023. Collection method: clinical testing. Allele origin: germline.
Comment: The p.G1386A variant (also known as c.4157G>C), located in coding exon 29 of the ANKRD26 gene, results from a G to C substitution at nucleotide position 4157. The glycine at codon 1386 is replaced by alanine, an amino acid with similar properties. This amino acid position is conserved. In addition, this alteration is predicted to be tolerated by in silico analysis. Based on the available evidence, the clinical significance of this variant remains unclear.

NM_014915.3(ANKRD26):c.4157G>C (p.Gly1386Ala)

Gene: ANKRD26 (ankyrin repeat domain 26; minus strand). Cytogenetic location: 10p12.1.
Variant type: single nucleotide variant.
Coding change: c.4157G>C on transcript NM_014915.3 (MANE Select); coding-DNA position 4157, G replaced by C.
Protein change: p.Gly1386Ala; replaces glycine 1386 with alanine.
Molecular consequence: missense variant.
Genome position (GRCh38, 1-based): chr10:27,022,616, C>G on the plus strand (G>C on the coding strand, the complement: ANKRD26 is on the minus strand). VCF-style: chr10-27022616-C-G. GRCh37 (hg19) VCF-style: chr10-27311545-C-G.
Other names: c.4154G>C, p.Gly1385Ala (NM_001256053.2); short protein forms G1385A, G1386A.
Identifiers: ClinVar variation 4842334 (VCV004842334.1).